The following is an entry in ClinVar:

NM_002335.4(LRP5):c.394A>G (p.Ile132Val)

Gene: LRP5 (LDL receptor related protein 5; plus strand). Cytogenetic location: 11q13.2.
Variant type: single nucleotide variant.
Coding change: c.394A>G on transcript NM_002335.4 (MANE Select); coding-DNA position 394, A replaced by G.
Protein change: p.Ile132Val; replaces isoleucine 132 with valine.
Molecular consequence: missense variant. On other transcripts: 5 prime UTR variant (1).
Genome position (GRCh38, 1-based): chr11:68,348,149, A>G. VCF-style: chr11-68348149-A-G. GRCh37 (hg19) VCF-style: chr11-68115617-A-G.
Other names: c.-1372A>G (NM_001291902.2); short protein forms I132V.
Identifiers: ClinVar variation 1715362 (VCV001715362.5), dbSNP rs1435634355, ClinGen allele CA381610688.

ClinVar aggregate classification (germline): Uncertain significance (1 of 4 stars; one submission).

Allele frequency attached by ClinVar (database versions not stated): TOPMed 0.00001.

Submission:

Labcorp Genetics (formerly Invitae), Labcorp
Classification: Uncertain significance. Last evaluated: 2025-10-06. Review status: criteria provided, single submitter. Criteria: Invitae Variant Classification Sherloc (09022015). Collection method: clinical testing. Allele origin: germline.
Comment: This sequence change replaces isoleucine, which is neutral and non-polar, with valine, which is neutral and non-polar, at codon 132 of the LRP5 protein (p.Ile132Val). This variant is not present in population databases (gnomAD no frequency). This variant has not been reported in the literature in individuals affected with LRP5-related conditions. ClinVar contains an entry for this variant (Variation ID: 1715362). Invitae Evidence Modeling of protein sequence and biophysical properties (such as structural, functional, and spatial information, amino acid conservation, physicochemical variation, residue mobility, and thermodynamic stability) indicates that this missense variant is expected to disrupt LRP5 protein function with a positive predictive value of 80%. In summary, the available evidence is currently insufficient to determine the role of this variant in disease. Therefore, it has been classified as a Variant of Uncertain Significance.